The following is an entry in ClinVar:

NM_001257180.2(SLC20A2):c.172G>A (p.Gly58Ser)

Gene: SLC20A2 (solute carrier family 20 member 2; minus strand). Cytogenetic location: 8p11.21.
Variant type: single nucleotide variant.
Coding change: c.172G>A on transcript NM_001257180.2 (MANE Select); coding-DNA position 172, G replaced by A.
Protein change: p.Gly58Ser; replaces glycine 58 with serine.
Molecular consequence: missense variant.
Genome position (GRCh38, 1-based): chr8:42,472,219, C>T on the plus strand (G>A on the coding strand, the complement: SLC20A2 is on the minus strand). VCF-style: chr8-42472219-C-T. GRCh37 (hg19) VCF-style: chr8-42329737-C-T.
Other names: c.172G>A, p.Gly58Ser (NM_001257181.2, NM_006749.5); short protein forms G58S.
Identifiers: ClinVar variation 2505871 (VCV002505871.1), dbSNP rs1462676972, ClinGen allele CA371089922.
Genomic context (GRCh38, chr8:42,472,219, plus strand): 5'-TCACGTCAATGATACCTTTGCGAATGGTTTCTCCTACTTTGGCGCCTAGTAACACGGAGC[C>T]GGTGGTTTCAAATATTGAAGCTAAAATGCATGCCTGCCTCAAGGTCACCACACCAGAGCC-3'
Protein context (NP_001244109.1, residues 48-68): CILASIFETT[Gly58Ser]SVLLGAKVGE

ClinVar aggregate classification (germline): Uncertain significance (1 of 4 stars; one submission).

Allele frequency attached by ClinVar (database versions not stated): gnomAD exomes below 0.00001; TOPMed below 0.00001; gnomAD 0.00001.
gnomAD v4.1: 2 of 1,614,020 alleles (0.00012%); highest among the groups gnomAD compares: Non-Finnish European, 0.00017%; no homozygotes.

Submission:

GeneDx
Classification: Uncertain significance. Last evaluated: 2023-06-13. Review status: criteria provided, single submitter. Criteria: GeneDx Variant Classification Process June 2021. Collection method: clinical testing. Allele origin: germline. Affected: yes.
Comment: Not observed at significant frequency in large population cohorts (gnomAD); In silico analysis supports that this missense variant has a deleterious effect on protein structure/function; Has not been previously published as pathogenic or benign to our knowledge